The following is an entry in ClinVar:

NM_005529.7(HSPG2):c.6010C>T (p.Arg2004Cys)

Gene: HSPG2 (heparan sulfate proteoglycan 2; minus strand). Cytogenetic location: 1p36.12.
Variant type: single nucleotide variant.
Coding change: c.6010C>T on transcript NM_005529.7 (MANE Select); coding-DNA position 6010, C replaced by T.
Protein change: p.Arg2004Cys; replaces arginine 2004 with cysteine.
Molecular consequence: missense variant.
Genome position (GRCh38, 1-based): chr1:21,854,971, G>A on the plus strand (C>T on the coding strand, the complement: HSPG2 is on the minus strand). VCF-style: chr1-21854971-G-A. GRCh37 (hg19) VCF-style: chr1-22181464-G-A.
Other names: c.6013C>T, p.Arg2005Cys (NM_001291860.2); short protein forms R2004C, R2005C.
Identifiers: ClinVar variation 295819 (VCV000295819.11), dbSNP rs777591903, ClinGen allele CA671706.
Genomic context (GRCh38, chr1:21,854,971, plus strand): 5'-GGTAGAAGCCGGCGTCAGCAGTCGTGATGGCTGGGATGAGCAGTGTCGCGATGTCTGTGC[G>A]CTCTGACCGGGCCTGCCGTGGGTGAGATGGGTCAGCTGCCCCAGAGGCAGCTGGACAACG-3'
Protein context (NP_005520.4, residues 1994-2014): GSLPPQARSE[Arg2004Cys]TDIATLLIPA

ClinVar aggregate classification (germline): Uncertain significance. Review status: criteria provided, multiple submitters, no conflicts (2 of 4 stars). 6 submissions from 5 submitters: Uncertain significance (6). Last evaluated 2022-06-21.

Conditions:
Lethal Kniest-like syndrome (DDSH). Also called: Dyssegmental Dysplasia. Identifiers: Orphanet 1865, MedGen C1857100, MONDO:0009140, OMIM 224410.
Schwartz-Jampel syndrome. Also called: Myotonic myopathy dwarfism chondrodystrophy and ocular and facial abnormalities. Identifiers: Orphanet 800, MedGen C0036391, MONDO:0009717.
Inborn genetic diseases. Identifiers: MedGen C0950123, MeSH D030342.

Allele frequency attached by ClinVar (database versions not stated): gnomAD 0.00002 and 0.00003; TOPMed 0.00002; ExAC 0.00004; gnomAD exomes 0.00005.

Submissions (6):

Ambry Genetics
Classification: Uncertain significance for Inborn genetic diseases. Last evaluated: 2022-06-21. Review status: criteria provided, single submitter. Criteria: Ambry Variant Classification Scheme 2023. Collection method: clinical testing. Allele origin: germline.

GeneDx
Classification: Uncertain significance. Last evaluated: 2022-02-08. Review status: criteria provided, single submitter. Criteria: GeneDx Variant Classification Process June 2021. Collection method: clinical testing. Allele origin: germline. Affected: yes.
Comment: In silico analysis supports that this missense variant has a deleterious effect on protein structure/function; Has not been previously published as pathogenic or benign to our knowledge

Revvity Omics, Revvity
Classification: Uncertain significance. Last evaluated: 2019-05-02. Review status: criteria provided, single submitter. Criteria: ACMG Guidelines, 2015. Collection method: clinical testing. Allele origin: germline.

Illumina Laboratory Services, Illumina
Classification: Uncertain significance for Schwartz-Jampel syndrome type 1. Last evaluated: 2018-01-12. Review status: criteria provided, single submitter. Criteria: ICSL Variant Classification Criteria 13 December 2019. Collection method: clinical testing. Allele origin: germline.

Illumina Laboratory Services, Illumina
Classification: Uncertain significance for Lethal Kniest-like syndrome. Last evaluated: 2018-01-12. Review status: criteria provided, single submitter. Criteria: ICSL Variant Classification Criteria 13 December 2019. Collection method: clinical testing. Allele origin: germline.

Athena Diagnostics
Classification: Uncertain significance. Last evaluated: 2016-09-14. Review status: criteria provided, single submitter. Criteria: Athena Diagnostics Criteria. Collection method: clinical testing. Allele origin: germline.